The following is an entry in ClinVar:

ClinVar aggregate classification (germline): Uncertain significance. Review status: criteria provided, multiple submitters, no conflicts (2 of 4 stars). 2 submissions from 2 submitters: Uncertain significance (2). Last evaluated 2025-01-07.

gnomAD v4.1: 6 of 1,614,194 alleles (0.00037%); highest among the groups gnomAD compares: Non-Finnish European, 0.00042%; no homozygotes.

Submissions (2):

Labcorp Genetics (formerly Invitae), Labcorp
Classification: Uncertain significance. Last evaluated: 2025-01-07. Review status: criteria provided, single submitter. Criteria: Invitae Variant Classification Sherloc (09022015). Collection method: clinical testing. Allele origin: germline.
Comment: This sequence change replaces aspartic acid, which is acidic and polar, with tyrosine, which is neutral and polar, at codon 441 of the COL4A1 protein (p.Asp441Tyr). This variant is present in population databases (rs773055726, gnomAD 0.0009%). This variant has not been reported in the literature in individuals affected with COL4A1-related conditions. Invitae Evidence Modeling of protein sequence and biophysical properties (such as structural, functional, and spatial information, amino acid conservation, physicochemical variation, residue mobility, and thermodynamic stability) indicates that this missense variant is not expected to disrupt COL4A1 protein function with a negative predictive value of 95%. In summary, the available evidence is currently insufficient to determine the role of this variant in disease. Therefore, it has been classified as a Variant of Uncertain Significance.

Blueprint Genetics
Classification: Uncertain significance. Last evaluated: 2023-06-06. Review status: criteria provided, single submitter. Criteria: ACMG Guidelines, 2015. Collection method: clinical testing. Allele origin: germline.

NM_001845.6(COL4A1):c.1321G>T (p.Asp441Tyr)

Genes: COL4A1 (collagen type IV alpha 1 chain; minus strand), LOC126861856 (BRD4-independent group 4 enhancer GRCh37_chr13:110846747-110847946; plus strand). Cytogenetic location: 13q34.
Variant type: single nucleotide variant.
Coding change: c.1321G>T on transcript NM_001845.6 (MANE Select); coding-DNA position 1321, G replaced by T.
Protein change: p.Asp441Tyr; replaces aspartic acid 441 with tyrosine.
Molecular consequence: missense variant.
Genome position (GRCh38, 1-based): chr13:110,195,083, C>A on the plus strand (G>T on the coding strand, the complement: COL4A1 is on the minus strand). VCF-style: chr13-110195083-C-A. GRCh37 (hg19) VCF-style: chr13-110847430-C-A.
Other names: c.1321G>T, p.Asp441Tyr (NM_001303110.2); short protein forms D441Y.
Identifiers: ClinVar variation 3670230 (VCV003670230.3).